The following is an entry in ClinVar:

NM_004371.4(COPA):c.2511T>G (p.Ile837Met)

Gene: COPA (coat protein complex I subunit alpha; minus strand). Cytogenetic location: 1q23.2.
Variant type: single nucleotide variant.
Coding change: c.2511T>G on transcript NM_004371.4 (MANE Select); coding-DNA position 2511, T replaced by G.
Protein change: p.Ile837Met; replaces isoleucine 837 with methionine.
Molecular consequence: missense variant.
Genome position (GRCh38, 1-based): chr1:160,294,823, A>C on the plus strand (T>G on the coding strand, the complement: COPA is on the minus strand). VCF-style: chr1-160294823-A-C. GRCh37 (hg19) VCF-style: chr1-160264613-A-C.
Other names: c.2538T>G, p.Ile846Met (NM_001098398.2); short protein forms I846M, I837M.
Identifiers: ClinVar variation 1934534 (VCV001934534.5), dbSNP rs2525357521, ClinGen allele CA343276037.

ClinVar aggregate classification (germline): Uncertain significance (1 of 4 stars; one submission).

Conditions:
Autoimmune interstitial lung disease-arthritis syndrome. Also called: Autoinflammation and autoimmunity, systemic, with immune dysregulation. Identifiers: Orphanet 444092, MedGen C5975714, MONDO:0014629.

gnomAD v4.1: 12 of 1,613,696 alleles (0.00074%); highest among the groups gnomAD compares: South Asian, 0.0066%; no homozygotes.

Submission:

Labcorp Genetics (formerly Invitae), Labcorp
Classification: Uncertain significance for Autoimmune interstitial lung disease-arthritis syndrome. Last evaluated: 2023-11-02. Review status: criteria provided, single submitter. Criteria: Invitae Variant Classification Sherloc (09022015). Collection method: clinical testing. Allele origin: germline.
Comment: This sequence change replaces isoleucine, which is neutral and non-polar, with methionine, which is neutral and non-polar, at codon 837 of the COPA protein (p.Ile837Met). This variant is not present in population databases (gnomAD no frequency). This variant has not been reported in the literature in individuals affected with COPA-related conditions. ClinVar contains an entry for this variant (Variation ID: 1934534). Advanced modeling of protein sequence and biophysical properties (such as structural, functional, and spatial information, amino acid conservation, physicochemical variation, residue mobility, and thermodynamic stability) performed at Invitae indicates that this missense variant is not expected to disrupt COPA protein function with a negative predictive value of 80%. In summary, the available evidence is currently insufficient to determine the role of this variant in disease. Therefore, it has been classified as a Variant of Uncertain Significance.